The following is an entry in ClinVar:

NM_003743.5(NCOA1):c.2002T>A (p.Ser668Thr)

Gene: NCOA1 (nuclear receptor coactivator 1; plus strand). Cytogenetic location: 2p23.3.
Variant type: single nucleotide variant.
Coding change: c.2002T>A on transcript NM_003743.5 (MANE Select); coding-DNA position 2002, T replaced by A.
Protein change: p.Ser668Thr; replaces serine 668 with threonine.
Molecular consequence: missense variant.
Genome position (GRCh38, 1-based): chr2:24,707,472, T>A. VCF-style: chr2-24707472-T-A. GRCh37 (hg19) VCF-style: chr2-24930341-T-A.
Other names: c.2002T>A, p.Ser668Thr (NM_001362950.1, NM_001362952.1, NM_001362954.1 and 3 more transcripts); short protein forms S668T.
Identifiers: ClinVar variation 3351673 (VCV003351673.1).

ClinVar aggregate classification (germline): Uncertain significance (0 of 4 stars; one submission).

Conditions:
NCOA1-related disorder. Also called: NCOA1-related condition.

gnomAD v4.1: 11 of 1,614,120 alleles (0.00068%); highest among the groups gnomAD compares: African/African-American, 0.0013%; no homozygotes.

Submission:

PreventionGenetics, part of Exact Sciences
Classification: Uncertain significance for NCOA1-related condition. Last evaluated: 2024-05-16. Review status: no assertion criteria provided. Collection method: clinical testing. Allele origin: germline.
Comment: The NCOA1 c.2002T>A variant is predicted to result in the amino acid substitution p.Ser668Thr. To our knowledge, this variant has not been reported in the literature. This variant is reported in 0.0040% of alleles in individuals of African descent in gnomAD. At this time, the clinical significance of this variant is uncertain due to the absence of conclusive functional and genetic evidence.